The following is an entry in ClinVar:

NM_004370.6(COL12A1):c.4705C>T (p.Pro1569Ser)

Gene: COL12A1 (collagen type XII alpha 1 chain; minus strand). Cytogenetic location: 6q13.
Variant type: single nucleotide variant.
Coding change: c.4705C>T on transcript NM_004370.6 (MANE Select); coding-DNA position 4705, C replaced by T.
Protein change: p.Pro1569Ser; replaces proline 1569 with serine.
Molecular consequence: missense variant.
Genome position (GRCh38, 1-based): chr6:75,143,374, G>A on the plus strand (C>T on the coding strand, the complement: COL12A1 is on the minus strand). VCF-style: chr6-75143374-G-A. GRCh37 (hg19) VCF-style: chr6-75853090-G-A.
Other names: c.1213C>T, p.Pro405Ser (NM_080645.3); c.4705C>T (NM_004370.5); short protein forms P1569S, P405S.
Identifiers: ClinVar variation 2161058 (VCV002161058.5), dbSNP rs2533346268, ClinGen allele CA364742462.
Genomic context (GRCh38, chr6:75,143,374, plus strand): 5'-CAGGTTCCCAAAAGACATTCATAGTGCTGTGAGTCACATCTCTGAGTTTCAGATCCTGAG[G>A]TCTGGGTAAAGGCACTAGAGAAGCACGAGATATTAAATCCAGATGTGCTTCTCAACCACA-3'
Protein context (NP_004361.3, residues 1559-1579): VREVTLPLPR[Pro1569Ser]QDLKLRDVTH

ClinVar aggregate classification (germline): Uncertain significance. Review status: criteria provided, multiple submitters, no conflicts (2 of 4 stars). 2 submissions from 2 submitters: Uncertain significance (2). Last evaluated 2024-08-29.

Conditions:
Ullrich congenital muscular dystrophy 2 (UCMD2). Identifiers: Orphanet 75840, MedGen C4225314, MONDO:0014654, OMIM 616470.
Bethlem myopathy 2 (BTHLM2). Identifiers: Orphanet 536516, Orphanet 610, MedGen C4225313, MONDO:0034022, OMIM 616471.
Inborn genetic diseases. Identifiers: MedGen C0950123, MeSH D030342.

Allele frequency attached by ClinVar (database versions not stated): gnomAD exomes below 0.00001.
gnomAD v4.1: 4 of 1,613,598 alleles (0.00025%); highest among the groups gnomAD compares: Non-Finnish European, 0.00034%; no homozygotes.

Submissions (2):

Labcorp Genetics (formerly Invitae), Labcorp
Classification: Uncertain significance for Bethlem myopathy 2; Ullrich congenital muscular dystrophy 2. Last evaluated: 2024-08-29. Review status: criteria provided, single submitter. Criteria: Invitae Variant Classification Sherloc (09022015). Collection method: clinical testing. Allele origin: germline.
Comment: This sequence change replaces proline, which is neutral and non-polar, with serine, which is neutral and polar, at codon 1569 of the COL12A1 protein (p.Pro1569Ser). This variant is not present in population databases (gnomAD no frequency). This variant has not been reported in the literature in individuals affected with COL12A1-related conditions. ClinVar contains an entry for this variant (Variation ID: 2161058). Invitae Evidence Modeling of protein sequence and biophysical properties (such as structural, functional, and spatial information, amino acid conservation, physicochemical variation, residue mobility, and thermodynamic stability) indicates that this missense variant is not expected to disrupt COL12A1 protein function with a negative predictive value of 80%. In summary, the available evidence is currently insufficient to determine the role of this variant in disease. Therefore, it has been classified as a Variant of Uncertain Significance.

Ambry Genetics
Classification: Uncertain significance for Inborn genetic diseases. Last evaluated: 2023-10-31. Review status: criteria provided, single submitter. Criteria: Ambry Variant Classification Scheme 2023. Collection method: clinical testing. Allele origin: germline.
Comment: The c.4705C>T (p.P1569S) alteration is located in exon 26 (coding exon 25) of the COL12A1 gene. This alteration results from a C to T substitution at nucleotide position 4705, causing the proline (P) at amino acid position 1569 to be replaced by a serine (S). This variant was not reported in population-based cohorts in the Genome Aggregation Database (gnomAD). This amino acid position is well conserved in available vertebrate species. The in silico prediction for this alteration is inconclusive. Based on insufficient or conflicting evidence, the clinical significance of this alteration remains unclear.